The following is an entry in ClinVar:

NM_194248.3(OTOF):c.4558C>T (p.Arg1520Trp)

Gene: OTOF (otoferlin; minus strand). Cytogenetic location: 2p23.3.
Variant type: single nucleotide variant.
Coding change: c.4558C>T on transcript NM_194248.3 (MANE Select); coding-DNA position 4558, C replaced by T.
Protein change: p.Arg1520Trp; replaces arginine 1520 with tryptophan.
Molecular consequence: missense variant.
Genome position (GRCh38, 1-based): chr2:26,466,019, G>A on the plus strand (C>T on the coding strand, the complement: OTOF is on the minus strand). VCF-style: chr2-26466019-G-A. GRCh37 (hg19) VCF-style: chr2-26688887-G-A.
Other names: c.4558C>T, p.Arg1520Trp (NM_001287489.2); c.2257C>T, p.Arg753Trp (NM_004802.4, NM_194323.3); c.2488C>T, p.Arg830Trp (NM_194322.3); short protein forms R1520W, R753W, R830W.
Identifiers: ClinVar variation 3047844 (VCV003047844.3), dbSNP rs552370678, ClinGen allele CA1563111.
Genomic context (GRCh38, chr2:26,466,019, plus strand): 5'-CAGGGTTGAGCTGCTTGGAGATGTAGTTCTCCTTGTCGCGGATGTCAGTCTTGCCTAGCC[G>A]GATGGCGATGTAGGGGTCAGCTTTGCCGTTGATGTCAGCAGGGTGCAGGTCCGTGGCCTG-3'
Protein context (NP_919224.1, residues 1510-1530): NGKADPYIAI[Arg1520Trp]LGKTDIRDKE

ClinVar aggregate classification (germline): Uncertain significance. Review status: criteria provided, single submitter (1 of 4 stars). 2 submissions from 2 submitters: Uncertain significance (1). 1 of the submissions does not count toward it. Last evaluated 2025-11-10.

Conditions:
OTOF-related disorder. Also called: OTOF-related condition.

Allele frequency attached by ClinVar (database versions not stated): 1000 Genomes Project 30x 0.00031.
gnomAD v4.1: 19 of 1,614,222 alleles (0.0012%); highest among the groups gnomAD compares: Non-Finnish European, 0.0015%; no homozygotes.

Submissions (2):

Women's Health and Genetics/Laboratory Corporation of America, LabCorp
Classification: Uncertain significance. Last evaluated: 2025-11-10. Review status: criteria provided, single submitter. Criteria: LabCorp Variant Classification Summary - May 2015. Collection method: clinical testing. Allele origin: germline.
Comment: Variant summary: OTOF c.4558C>T (p.Arg1520Trp) results in a non-conservative amino acid change in the encoded protein sequence. Algorithms developed to predict the effect of missense changes on protein structure and function are either unavailable or do not agree on the potential impact of this missense change. The variant allele was found at a frequency of 4e-06 in 251468 control chromosomes. The available data on variant occurrences in the general population are insufficient to allow any conclusion about variant significance. To our knowledge, no occurrence of c.4558C>T in individuals affected with OTOF-related conditions and no experimental evidence demonstrating its impact on protein function have been reported. ClinVar contains an entry for this variant (Variation ID: 3047844). Based on the evidence outlined above, the variant was classified as uncertain significance.

PreventionGenetics, part of Exact Sciences
Classification: Uncertain significance for OTOF-related condition. Last evaluated: 2023-11-19. Review status: no assertion criteria provided. Collection method: clinical testing. Allele origin: germline. Not counted in ClinVar's aggregate classification.
Comment: The OTOF c.4558C>T variant is predicted to result in the amino acid substitution p.Arg1520Trp. To our knowledge, this variant has not been reported in the literature. This variant is reported in 0.00088% of alleles in individuals of European (Non-Finnish) descent in gnomAD. At this time, the clinical significance of this variant is uncertain due to the absence of conclusive functional and genetic evidence.